The following is an entry in ClinVar:

NM_001378120.1(MBD5):c.3753+15T>A

Gene: MBD5 (methyl-CpG binding domain protein 5; plus strand). Cytogenetic location: 2q23.1.
Variant type: single nucleotide variant.
Coding change: c.3753+15T>A on transcript NM_001378120.1 (MANE Select); 15 bases into the intron after coding-DNA position 3753, T replaced by A.
Molecular consequence: intron variant.
Genome position (GRCh38, 1-based): chr2:148,485,965, T>A. VCF-style: chr2-148485965-T-A. GRCh37 (hg19) VCF-style: chr2-149243534-T-A.
Other names: c.3054+15T>A (NM_018328.5).
Identifiers: ClinVar variation 393036 (VCV000393036.4), dbSNP rs1057524750, ClinGen allele CA16603756.

ClinVar aggregate classification (germline): Likely benign. Review status: criteria provided, multiple submitters, no conflicts (2 of 4 stars). 2 submissions from 2 submitters: Likely benign (2). Last evaluated 2025-02-07.

Conditions:
Intellectual developmental disorder, autosomal dominant 1. Also called: MBD5 Haploinsufficiency; Intellectual disability, autosomal dominant 1. Identifiers: Orphanet 228402, MedGen C1969562, MONDO:0007974, OMIM 156200.

Allele frequency attached by ClinVar (database versions not stated): TOPMed 0.00001.
gnomAD v4.1: 4 of 1,609,692 alleles (0.00025%); no homozygotes.

Submissions (2):

Labcorp Genetics (formerly Invitae), Labcorp
Classification: Likely benign for Intellectual developmental disorder, autosomal dominant 1. Last evaluated: 2025-02-07. Review status: criteria provided, single submitter. Criteria: Invitae Variant Classification Sherloc (09022015). Collection method: clinical testing. Allele origin: germline.

GeneDx
Classification: Likely benign. Last evaluated: 2017-01-17. Review status: criteria provided, single submitter. Criteria: GeneDx Variant Classification (06012015). Collection method: clinical testing. Allele origin: germline. Affected: yes.
Comment: This variant is considered likely benign or benign based on one or more of the following criteria: it is a conservative change, it occurs at a poorly conserved position in the protein, it is predicted to be benign by multiple in silico algorithms, and/or has population frequency not consistent with disease.